The following is an entry in ClinVar:

NM_004370.6(COL12A1):c.5252-12A>G

Gene: COL12A1 (collagen type XII alpha 1 chain; minus strand). Cytogenetic location: 6q13.
Variant type: single nucleotide variant.
Coding change: c.5252-12A>G on transcript NM_004370.6 (MANE Select); 12 bases into the intron before coding-DNA position 5252, A replaced by G.
Molecular consequence: intron variant.
Genome position (GRCh38, 1-based): chr6:75,137,591, T>C on the plus strand (A>G on the coding strand, the complement: COL12A1 is on the minus strand). VCF-style: chr6-75137591-T-C. GRCh37 (hg19) VCF-style: chr6-75847307-T-C.
Other names: c.1760-12A>G (NM_001424116.1, NM_080645.3); c.4979-12A>G (NM_001424115.1); c.5231-12A>G (NM_001424114.1); c.5252-12A>G (NM_001424113.1).
Identifiers: ClinVar variation 4854595 (VCV004854595.1).

ClinVar aggregate classification (germline): Uncertain significance (1 of 4 stars; one submission).

Conditions:
Bethlem myopathy 2 (BTHLM2). Identifiers: Orphanet 536516, Orphanet 610, MedGen C4225313, MONDO:0034022, OMIM 616471.

Submission:

3billion
Classification: Uncertain significance for Bethlem myopathy 2. Last evaluated: 2025-06-24. Review status: criteria provided, single submitter. Criteria: ACMG Guidelines, 2015. Collection method: clinical testing. Allele origin: germline. Affected: yes.
Comment: The variant is not observed in the gnomAD v4.1.0 dataset. Predicted Consequence/Location: Intron variant In silico tools predict the variant to alter splicing and produce an abnormal transcript [SpliceAI: 0.70 (>=0.2, moderate evidence for spliceogenicity)]. Therefore, this variant is classified as VUS according to the recommendation of ACMG/AMP guideline.